The following is an entry in ClinVar:

ClinVar aggregate classification (germline): Uncertain significance (1 of 4 stars; one submission).

Conditions:
Inborn genetic diseases. Identifiers: MedGen C0950123, MeSH D030342.

Submission:

Ambry Genetics
Classification: Uncertain significance for Inborn genetic diseases. Last evaluated: 2025-05-21. Review status: criteria provided, single submitter. Criteria: Ambry Variant Classification Scheme 2023. Collection method: clinical testing. Allele origin: germline.
Comment: The p.M289V variant (also known as c.865A>G), located in coding exon 8 of the CEP57 gene, results from an A to G substitution at nucleotide position 865. The methionine at codon 289 is replaced by valine, an amino acid with highly similar properties. This amino acid position is conserved. In addition, this alteration is predicted to be tolerated by in silico analysis. Based on the available evidence, the clinical significance of this variant remains unclear.

NM_014679.5(CEP57):c.865A>G (p.Met289Val)

Gene: CEP57 (centrosomal protein 57; plus strand). Cytogenetic location: 11q21.
Variant type: single nucleotide variant.
Coding change: c.865A>G on transcript NM_014679.5 (MANE Select); coding-DNA position 865, A replaced by G.
Protein change: p.Met289Val; replaces methionine 289 with valine.
Molecular consequence: missense variant. On other transcripts: intron variant (1).
Genome position (GRCh38, 1-based): chr11:95,822,556, A>G. VCF-style: chr11-95822556-A-G. GRCh37 (hg19) VCF-style: chr11-95555720-A-G.
Other names: c.838A>G, p.Met280Val (NM_001243776.2); c.784A>G, p.Met262Val (NM_001363604.2); c.807+578A>G (NM_001243777.2); short protein forms M262V, M280V, M289V.
Identifiers: ClinVar variation 4001060 (VCV004001060.1).
Genomic context (GRCh38, chr11:95,822,556, plus strand): 5'-CAGAAAAGTTCTAGGAACTATTTTGGTGCACAACCACATTATAGATTATGCTTGGGTGAT[A>G]TGCCATTTGTAGCTGGGAAGGTGAGTTGGTCAAACTCCGGATTCTTTTTATACAACATTG-3'
Protein context (NP_055494.2, residues 279-299): QPHYRLCLGD[Met289Val]PFVAGKSTSP